The following is an entry in ClinVar:

NM_001287.6(CLCN7):c.1024C>T (p.Leu342=)

Gene: CLCN7 (chloride voltage-gated channel 7; minus strand). Cytogenetic location: 16p13.3.
Variant type: single nucleotide variant.
Coding change: c.1024C>T on transcript NM_001287.6 (MANE Select); coding-DNA position 1024, C replaced by T.
Protein change: p.Leu342=; no amino-acid change (leucine 342 retained).
Molecular consequence: synonymous variant.
Genome position (GRCh38, 1-based): chr16:1,455,208, G>A on the plus strand (C>T on the coding strand, the complement: CLCN7 is on the minus strand). VCF-style: chr16-1455208-G-A. GRCh37 (hg19) VCF-style: chr16-1505209-G-A.
Other names: c.952C>T, p.Leu318= (NM_001114331.3).
Identifiers: ClinVar variation 1940688 (VCV001940688.5), dbSNP rs1305922944, ClinGen allele CA492922880.
Genomic context (GRCh38, chr16:1,455,208, plus strand): 5'-TTCCGAAGTTGATGAGGCCTGGGCTGGACAGGTCCCACATGTTCCCGTGGTAAATGCTCA[G>A]AACAAAATTCAGGGTGAACGTGGAGATCATGGAAGCAAAGAACTGCGGCAGAGGGCAGGA-3'
Protein context (NP_001278.1, residues 332-352): MISTFTLNFV[Leu342=]SIYHGNMWDL

ClinVar aggregate classification (germline): Uncertain significance (1 of 4 stars; one submission).

Allele frequency attached by ClinVar (database versions not stated): gnomAD 0.00001; TOPMed 0.00002.

Submission:

Labcorp Genetics (formerly Invitae), Labcorp
Classification: Uncertain significance. Last evaluated: 2022-10-07. Review status: criteria provided, single submitter. Criteria: Invitae Variant Classification Sherloc (09022015). Collection method: clinical testing. Allele origin: germline.
Comment: This variant is present in population databases (no rsID available, gnomAD 0.006%). In summary, the available evidence is currently insufficient to determine the role of this variant in disease. Therefore, it has been classified as a Variant of Uncertain Significance. Algorithms developed to predict the effect of sequence changes on RNA splicing suggest that this variant may create or strengthen a splice site. This variant has not been reported in the literature in individuals affected with CLCN7-related conditions. This sequence change affects codon 342 of the CLCN7 mRNA. It is a 'silent' change, meaning that it does not change the encoded amino acid sequence of the CLCN7 protein.